The following is an entry in ClinVar:

ClinVar aggregate classification (germline): Benign. Review status: criteria provided, multiple submitters, no conflicts (2 of 4 stars). 4 submissions from 4 submitters: Benign (4). Last evaluated 2025-12-26.

Conditions:
Intellectual developmental disorder, autosomal dominant 6, with or without seizures. Also called: Intellectual disability, autosomal dominant 6; GRIN2B-related developmental delay, intellectual disability and autism spectrum disorder. Identifiers: Orphanet 589547, MedGen C3151411, MONDO:0013509, OMIM 613970.
Developmental and epileptic encephalopathy, 27 (DEE27). Also called: Epileptic encephalopathy, early infantile, 27; GRIN2B-Related Neurodevelopmental Disorder. Identifiers: Orphanet 3451, MedGen C4015316, MONDO:0014505, OMIM 616139.

Allele frequency attached by ClinVar (database versions not stated): gnomAD 0.00017 and 0.00021; 1000 Genomes Project 0.00020; TOPMed 0.00022; gnomAD exomes 0.00027 and 0.00030; 1000 Genomes Project 30x 0.00031; ExAC 0.00032; ESP Exome Variant Server 0.00038.
gnomAD v4.1: 422 of 1,613,552 alleles (0.026%); highest among the groups gnomAD compares: East Asian, 0.46%; no homozygotes.

Submissions (4):

Labcorp Genetics (formerly Invitae), Labcorp
Classification: Benign for Developmental and epileptic encephalopathy, 27; Intellectual developmental disorder, autosomal dominant 6, with or without seizures. Last evaluated: 2025-12-26. Review status: criteria provided, single submitter. Criteria: Invitae Variant Classification Sherloc (09022015). Collection method: clinical testing. Allele origin: germline.

CeGaT Center for Human Genetics Tuebingen
Classification: Benign. Last evaluated: 2022-09-01. Review status: criteria provided, single submitter. Criteria: CeGaT Center For Human Genetics Tuebingen Variant Classification Criteria Version 2. Collection method: clinical testing. Allele origin: germline. Affected: yes. Observed: 2 variant alleles.
Comment: GRIN2B: BS1, BS2

Genetic Services Laboratory, University of Chicago
Classification: Benign. Last evaluated: 2018-12-04. Review status: criteria provided, single submitter. Criteria: ACMG Guidelines, 2015. Collection method: clinical testing. Allele origin: germline. Affected: no.

GeneDx
Classification: Benign. Last evaluated: 2015-04-28. Review status: criteria provided, single submitter. Criteria: GeneDx Variant Classification (06012015). Collection method: clinical testing. Allele origin: germline. Affected: yes.
Comment: This variant is considered likely benign or benign based on one or more of the following criteria: it is a conservative change, it occurs at a poorly conserved position in the protein, it is predicted to be benign by multiple in silico algorithms, and/or has population frequency not consistent with disease.

NM_000834.5(GRIN2B):c.1780+9G>A

Gene: GRIN2B (glutamate ionotropic receptor NMDA type subunit 2B; minus strand). Cytogenetic location: 12p13.1.
Variant type: single nucleotide variant.
Coding change: c.1780+9G>A on transcript NM_000834.5 (MANE Select); 9 bases into the intron after coding-DNA position 1780, G replaced by A.
Molecular consequence: intron variant.
Genome position (GRCh38, 1-based): chr12:13,611,716, C>T on the plus strand (G>A on the coding strand, the complement: GRIN2B is on the minus strand). VCF-style: chr12-13611716-C-T. GRCh37 (hg19) VCF-style: chr12-13764650-C-T.
Identifiers: ClinVar variation 245618 (VCV000245618.39), dbSNP rs201461091, ClinGen allele CA6461181.